The following is an entry in ClinVar:

NM_031220.4(PITPNM3):c.356G>T (p.Gly119Val)

Gene: PITPNM3 (PITPNM family member 3; minus strand). Cytogenetic location: 17p13.2.
Variant type: single nucleotide variant.
Coding change: c.356G>T on transcript NM_031220.4 (MANE Select); coding-DNA position 356, G replaced by T.
Protein change: p.Gly119Val; replaces glycine 119 with valine.
Molecular consequence: missense variant.
Genome position (GRCh38, 1-based): chr17:6,483,748, C>A on the plus strand (G>T on the coding strand, the complement: PITPNM3 is on the minus strand). VCF-style: chr17-6483748-C-A. GRCh37 (hg19) VCF-style: chr17-6387068-C-A.
Other names: c.248G>T, p.Gly83Val (NM_001165966.2); short protein forms G83V, G119V.
Identifiers: ClinVar variation 1431361 (VCV001431361.6), dbSNP rs766813235, ClinGen allele CA397411285.

ClinVar aggregate classification (germline): Uncertain significance (1 of 4 stars; one submission).

Allele frequency attached by ClinVar (database versions not stated): TOPMed below 0.00001.

Submission:

Labcorp Genetics (formerly Invitae), Labcorp
Classification: Uncertain significance. Last evaluated: 2026-02-01. Review status: criteria provided, single submitter. Criteria: Invitae Variant Classification Sherloc (09022015). Collection method: clinical testing. Allele origin: germline.
Comment: This sequence change replaces glycine, which is neutral and non-polar, with valine, which is neutral and non-polar, at codon 119 of the PITPNM3 protein (p.Gly119Val). This variant is not present in population databases (gnomAD no frequency). This variant has not been reported in the literature in individuals affected with PITPNM3-related conditions. ClinVar contains an entry for this variant (Variation ID: 1431361). Invitae Evidence Modeling of protein sequence and biophysical properties (such as structural, functional, and spatial information, amino acid conservation, physicochemical variation, residue mobility, and thermodynamic stability) indicates that this missense variant is not expected to disrupt PITPNM3 protein function with a negative predictive value of 80%. In summary, the available evidence is currently insufficient to determine the role of this variant in disease. Therefore, it has been classified as a Variant of Uncertain Significance.